The following is an entry in ClinVar:

ClinVar aggregate classification (germline): Uncertain significance (1 of 4 stars; one submission).

Submission:

Labcorp Genetics (formerly Invitae), Labcorp
Classification: Uncertain significance. Last evaluated: 2022-05-03. Review status: criteria provided, single submitter. Criteria: Invitae Variant Classification Sherloc (09022015). Collection method: clinical testing. Allele origin: germline.
Comment: Algorithms developed to predict the effect of missense changes on protein structure and function are either unavailable or do not agree on the potential impact of this missense change (SIFT: "Deleterious"; PolyPhen-2: "Possibly Damaging"; Align-GVGD: "Class C15"). In summary, the available evidence is currently insufficient to determine the role of this variant in disease. Therefore, it has been classified as a Variant of Uncertain Significance. This variant has not been reported in the literature in individuals affected with HMCN1-related conditions. This variant is not present in population databases (gnomAD no frequency). This sequence change replaces glutamine, which is neutral and polar, with proline, which is neutral and non-polar, at codon 4185 of the HMCN1 protein (p.Gln4185Pro).

NM_031935.3(HMCN1):c.12554A>C (p.Gln4185Pro)

Gene: HMCN1 (hemicentin 1; plus strand). Cytogenetic location: 1q31.1.
Variant type: single nucleotide variant.
Coding change: c.12554A>C on transcript NM_031935.3 (MANE Select); coding-DNA position 12554, A replaced by C.
Protein change: p.Gln4185Pro; replaces glutamine 4185 with proline.
Molecular consequence: missense variant.
Genome position (GRCh38, 1-based): chr1:186,125,658, A>C. VCF-style: chr1-186125658-A-C. GRCh37 (hg19) VCF-style: chr1-186094790-A-C.
Other names: short protein forms Q4185P.
Identifiers: ClinVar variation 2132815 (VCV002132815.4), dbSNP rs2528049187, ClinGen allele CA343903915.